The following is an entry in ClinVar:

ClinVar aggregate classification (germline): Uncertain significance (1 of 4 stars; one submission).

Conditions:
Emery-Dreifuss muscular dystrophy 5, autosomal dominant (EDMD5). Also called: EMERY-DREIFUSS MUSCULAR DYSTROPHY 5. Identifiers: Orphanet 261, MedGen C2751805, MONDO:0013072, OMIM 612999.

gnomAD v4.1: 37 of 1,613,978 alleles (0.0023%); highest among the groups gnomAD compares: Non-Finnish European, 0.0031%; no homozygotes.

Submission:

Labcorp Genetics (formerly Invitae), Labcorp
Classification: Uncertain significance for Emery-Dreifuss muscular dystrophy 5, autosomal dominant. Last evaluated: 2025-01-30. Review status: criteria provided, single submitter. Criteria: Invitae Variant Classification Sherloc (09022015). Collection method: clinical testing. Allele origin: germline.
Comment: This sequence change replaces arginine, which is basic and polar, with cysteine, which is neutral and slightly polar, at codon 5062 of the SYNE2 protein (p.Arg5062Cys). This variant is present in population databases (no rsID available, gnomAD 0.003%). This variant has not been reported in the literature in individuals affected with SYNE2-related conditions. An algorithm developed to predict the effect of missense changes on protein structure and function (PolyPhen-2) suggests that this variant is likely to be disruptive. In summary, the available evidence is currently insufficient to determine the role of this variant in disease. Therefore, it has been classified as a Variant of Uncertain Significance.

NM_182914.3(SYNE2):c.15184C>T (p.Arg5062Cys)

Gene: SYNE2 (spectrin repeat containing nuclear envelope protein 2; plus strand). Cytogenetic location: 14q23.2.
Variant type: single nucleotide variant.
Coding change: c.15184C>T on transcript NM_182914.3 (MANE Select); coding-DNA position 15184, C replaced by T.
Protein change: p.Arg5062Cys; replaces arginine 5062 with cysteine.
Molecular consequence: missense variant.
Genome position (GRCh38, 1-based): chr14:64,141,966, C>T. VCF-style: chr14-64141966-C-T. GRCh37 (hg19) VCF-style: chr14-64608684-C-T.
Other names: c.15184C>T, p.Arg5062Cys (NM_015180.6); short protein forms R5062C.
Identifiers: ClinVar variation 4808653 (VCV004808653.1).
Genomic context (GRCh38, chr14:64,141,966, plus strand): 5'-GCAGGCAATTAAATGGAAATCATTTTGTTCTTACAGCTTCAAATGGAGAAATTGCCGTCT[C>T]GTAAAGCAATCACAGAAATGATTAGCTGGATGAACAATGTGGAGCATCAAACTTCAGATG-3'
Protein context (NP_878918.2, residues 5052-5072): HQLQMEKLPS[Arg5062Cys]KAITEMISWM